The following is an entry in ClinVar:

NM_025114.4(CEP290):c.6353G>C (p.Arg2118Thr)

Genes: CEP290 (centrosomal protein 290; minus strand), LOC129390514 (MPRA-validated peak1864 silencer; plus strand). Cytogenetic location: 12q21.32.
Variant type: single nucleotide variant.
Coding change: c.6353G>C on transcript NM_025114.4 (MANE Select); coding-DNA position 6353, G replaced by C.
Protein change: p.Arg2118Thr; replaces arginine 2118 with threonine.
Molecular consequence: missense variant.
Genome position (GRCh38, 1-based): chr12:88,062,696, C>G on the plus strand (G>C on the coding strand, the complement: CEP290 is on the minus strand). VCF-style: chr12-88062696-C-G. GRCh37 (hg19) VCF-style: chr12-88456473-C-G.
Other names: c.6353G>C (NM_025114.3); short protein forms R2118T.
Identifiers: ClinVar variation 1413542 (VCV001413542.6), dbSNP rs1208196086, ClinGen allele CA385979069.

ClinVar aggregate classification (germline): Uncertain significance. Review status: criteria provided, multiple submitters, no conflicts (2 of 4 stars). 2 submissions from 2 submitters: Uncertain significance (2). Last evaluated 2025-06-17.

Conditions:
CEP290-related disorder. Also called: CEP290-related condition; CEP290-related disorders. Identifiers: MedGen CN239314.
Nephronophthisis. Also called: Juvenile Nephronophthisis. Identifiers: Orphanet 655, MedGen C0687120, MONDO:0019005, HP:0000090.
Meckel-Gruber syndrome. Also called: DYSENCEPHALIA SPLANCHNOCYSTICA; GRUBER SYNDROME; Dysencephalia splachnocystica. Identifiers: Orphanet 564, MedGen C0265215, MONDO:0018921.
Joubert syndrome. Also called: JOUBERT-BOLTSHAUSER SYNDROME; Familial aplasia of the vermis. Identifiers: Orphanet 475, MedGen C5979921, MONDO:0018772.

Allele frequency attached by ClinVar (database versions not stated): gnomAD exomes 0.00001.
gnomAD v4.1: 3 of 1,601,290 alleles (0.00019%); highest among the groups gnomAD compares: Admixed American, 0.0051%; no homozygotes.

Submissions (2):

PreventionGenetics, part of Exact Sciences
Classification: Uncertain significance for CEP290-related condition. Last evaluated: 2025-06-17. Review status: criteria provided, single submitter. Criteria: ACMG Guidelines, 2015. Collection method: clinical testing. Allele origin: germline.
Comment: The CEP290 c.6353G>C variant is predicted to result in the amino acid substitution p.Arg2118Thr. To our knowledge, this variant has not been reported in the literature. This variant is reported in 0.0091% of alleles in individuals of Latino descent in gnomAD. At this time, the clinical significance of this variant is uncertain due to the absence of conclusive functional and genetic evidence.

Labcorp Genetics (formerly Invitae), Labcorp
Classification: Uncertain significance for Joubert syndrome; Meckel-Gruber syndrome; Nephronophthisis. Last evaluated: 2021-08-24. Review status: criteria provided, single submitter. Criteria: Invitae Variant Classification Sherloc (09022015). Collection method: clinical testing. Allele origin: germline.
Comment: This sequence change replaces arginine with threonine at codon 2118 of the CEP290 protein (p.Arg2118Thr). The arginine residue is highly conserved and there is a moderate physicochemical difference between arginine and threonine. This variant is not present in population databases (ExAC no frequency). This variant has not been reported in the literature in individuals affected with CEP290-related conditions. Algorithms developed to predict the effect of missense changes on protein structure and function are either unavailable or do not agree on the potential impact of this missense change (SIFT: "Tolerated"; PolyPhen-2: "Probably Damaging"; Align-GVGD: "Class C0"). In summary, the available evidence is currently insufficient to determine the role of this variant in disease. Therefore, it has been classified as a Variant of Uncertain Significance.